The following is an entry in ClinVar:

ClinVar aggregate classification (germline): Uncertain significance (1 of 4 stars; one submission).

Conditions:
Very long chain acyl-CoA dehydrogenase deficiency (ACADVLD). Also called: VLCAD Deficiency; Very Long-Chain Acyl-Coenzyme A Dehydrogenase Deficiency. Identifiers: Orphanet 26793, MedGen C3887523, MONDO:0008723, OMIM 201475.

Submission:

Labcorp Genetics (formerly Invitae), Labcorp
Classification: Uncertain significance for Very long chain acyl-CoA dehydrogenase deficiency. Last evaluated: 2022-07-15. Review status: criteria provided, single submitter. Criteria: Invitae Variant Classification Sherloc (09022015). Collection method: clinical testing. Allele origin: germline.
Comment: This variant is not present in population databases (gnomAD no frequency). This sequence change falls in intron 9 of the ACADVL gene. It does not directly change the encoded amino acid sequence of the ACADVL protein. This variant has not been reported in the literature in individuals affected with ACADVL-related conditions. Algorithms developed to predict the effect of sequence changes on RNA splicing suggest that this variant may disrupt the consensus splice site. In summary, the available evidence is currently insufficient to determine the role of this variant in disease. Therefore, it has been classified as a Variant of Uncertain Significance.

NM_000018.4(ACADVL):c.879-13T>A

Gene: ACADVL (acyl-CoA dehydrogenase very long chain; plus strand). Cytogenetic location: 17p13.1.
Variant type: single nucleotide variant.
Coding change: c.879-13T>A on transcript NM_000018.4 (MANE Select); 13 bases into the intron before coding-DNA position 879, T replaced by A.
Molecular consequence: intron variant.
Genome position (GRCh38, 1-based): chr17:7,222,654, T>A. VCF-style: chr17-7222654-T-A. GRCh37 (hg19) VCF-style: chr17-7125973-T-A.
Other names: c.948-13T>A (NM_001270447.2); c.651-13T>A (NM_001270448.2); c.813-13T>A (NM_001033859.3).
Identifiers: ClinVar variation 2037558 (VCV002037558.4), dbSNP rs764180823, ClinGen allele CA2580094764.